The following is an entry in ClinVar:

ClinVar aggregate classification (germline): Uncertain significance (1 of 4 stars; one submission).

Submission:

GeneDx
Classification: Uncertain significance. Last evaluated: 2017-03-08. Review status: criteria provided, single submitter. Criteria: GeneDx Variant Classification (06012015). Collection method: clinical testing. Allele origin: germline. Affected: yes.
Comment: A variant of uncertain significance has been identified in the CHD7 gene. The K79R variant has not been published as a pathogenic variant, nor has it been reported as a benign variant to our knowledge. The K79R variant is not observed in large population cohorts (Lek et al., 2016; 1000 Genomes Consortium et al., 2015; Exome Variant Server). The K79R variant is a conservative amino acid substitution, which is not likely to impact secondary protein structure as these residues share similar properties. However, this substitution occurs at a position that is conserved across species. In silico analysis is inconsistent in its predictions as to whether or not the variant is damaging to the protein structure/function. Therefore, based on the currently available information, it is unclear whether this variant is a pathogenic variant or a rare benign variant.

NM_017780.4(CHD7):c.236A>G (p.Lys79Arg)

Gene: CHD7 (chromodomain helicase DNA binding protein 7; plus strand). Cytogenetic location: 8q12.2.
Variant type: single nucleotide variant.
Coding change: c.236A>G on transcript NM_017780.4 (MANE Select); coding-DNA position 236, A replaced by G.
Protein change: p.Lys79Arg; replaces lysine 79 with arginine.
Molecular consequence: missense variant.
Genome position (GRCh38, 1-based): chr8:60,741,668, A>G. VCF-style: chr8-60741668-A-G. GRCh37 (hg19) VCF-style: chr8-61654227-A-G.
Other names: c.236A>G (LRG_176t1); c.236A>G, p.Lys79Arg (NM_001316690.1); short protein forms K79R.
Identifiers: ClinVar variation 424093 (VCV000424093.2), dbSNP rs1064796792, ClinGen allele CA16618650.